The following is an entry in ClinVar:

NM_000390.4(CHM):c.924T>G (p.Tyr308Ter)

Gene: CHM (CHM Rab escort protein; minus strand). Cytogenetic location: Xq21.2.
Variant type: single nucleotide variant.
Coding change: c.924T>G on transcript NM_000390.4 (MANE Select); coding-DNA position 924, T replaced by G.
Protein change: p.Tyr308Ter; replaces tyrosine 308 with a stop codon.
Molecular consequence: nonsense.
Genome position (GRCh38, 1-based): chrX:85,957,871, A>C on the plus strand (T>G on the coding strand, the complement: CHM is on the minus strand). VCF-style: chrX-85957871-A-C. GRCh37 (hg19) VCF-style: chrX-85212876-A-C.
Other names: c.480T>G, p.Tyr160Ter (NM_001320959.1, NM_001362517.1, NM_001362518.2 and 1 more transcripts); short protein forms Y160*, Y308*.
Identifiers: ClinVar variation 871861 (VCV000871861.47), dbSNP rs758669355, ClinGen allele CA413785681.

ClinVar aggregate classification (germline): Pathogenic. Review status: criteria provided, multiple submitters, no conflicts (2 of 4 stars). 2 submissions from 2 submitters: Pathogenic (2). Last evaluated 2024-05-09.

Submissions (2):

Labcorp Genetics (formerly Invitae), Labcorp
Classification: Pathogenic. Last evaluated: 2024-05-09. Review status: criteria provided, single submitter. Criteria: Invitae Variant Classification Sherloc (09022015). Collection method: clinical testing. Allele origin: germline.
Comment: This sequence change creates a premature translational stop signal (p.Tyr308*) in the CHM gene. It is expected to result in an absent or disrupted protein product. Loss-of-function variants in CHM are known to be pathogenic (PMID: 9067750, 23811034). This variant is not present in population databases (gnomAD no frequency). This premature translational stop signal has been observed in individual(s) with choroideremia (PMID: 12827496). ClinVar contains an entry for this variant (Variation ID: 871861). Algorithms developed to predict the effect of sequence changes on RNA splicing suggest that this variant may disrupt the consensus splice site. For these reasons, this variant has been classified as Pathogenic.

CeGaT Center for Human Genetics Tuebingen
Classification: Pathogenic. Last evaluated: 2018-09-01. Review status: criteria provided, single submitter. Criteria: CeGaT Center For Human Genetics Tuebingen Variant Classification Criteria Version 2. Collection method: clinical testing. Allele origin: germline. Affected: yes. Observed: 1 variant allele.

Literature cited by the submitters: PubMed 9067750 (cited by Labcorp Genetics (formerly Invitae), Labcorp); PubMed 23811034 (cited by Labcorp Genetics (formerly Invitae), Labcorp); PubMed 12827496 (cited by Labcorp Genetics (formerly Invitae), Labcorp).